The following is an entry in ClinVar:

NM_004530.6(MMP2):c.890T>A (p.Phe297Tyr)

Gene: MMP2 (matrix metallopeptidase 2; plus strand). Cytogenetic location: 16q12.2.
Variant type: single nucleotide variant.
Coding change: c.890T>A on transcript NM_004530.6 (MANE Select); coding-DNA position 890, T replaced by A.
Protein change: p.Phe297Tyr; replaces phenylalanine 297 with tyrosine.
Molecular consequence: missense variant.
Genome position (GRCh38, 1-based): chr16:55,488,600, T>A. VCF-style: chr16-55488600-T-A. GRCh37 (hg19) VCF-style: chr16-55522512-T-A.
Other names: c.740T>A, p.Phe247Tyr (NM_001127891.3); c.662T>A, p.Phe221Tyr (NM_001302508.1, NM_001302509.2, NM_001302510.2); short protein forms F247Y, F221Y, F297Y.
Identifiers: ClinVar variation 886043 (VCV000886043.9), dbSNP rs778881275, ClinGen allele CA8060243.

ClinVar aggregate classification (germline): Uncertain significance. Review status: criteria provided, multiple submitters, no conflicts (2 of 4 stars). 2 submissions from 2 submitters: Uncertain significance (2). Last evaluated 2021-12-27.

Conditions:
Multicentric osteolysis nodulosis arthropathy spectrum. Identifiers: Orphanet 3460, Orphanet 371428, MedGen C1850155, MONDO:0018298.

Allele frequency attached by ClinVar (database versions not stated): gnomAD exomes 0.00002 and 0.00001; ExAC 0.00003.
gnomAD v4.1: 14 of 1,613,976 alleles (0.00087%); highest among the groups gnomAD compares: East Asian, 0.031%; no homozygotes.

Submissions (2):

Labcorp Genetics (formerly Invitae), Labcorp
Classification: Uncertain significance. Last evaluated: 2021-12-27. Review status: criteria provided, single submitter. Criteria: Invitae Variant Classification Sherloc (09022015). Collection method: clinical testing. Allele origin: germline.
Comment: In summary, the available evidence is currently insufficient to determine the role of this variant in disease. Therefore, it has been classified as a Variant of Uncertain Significance. Algorithms developed to predict the effect of missense changes on protein structure and function are either unavailable or do not agree on the potential impact of this missense change (SIFT: "Tolerated"; PolyPhen-2: "Probably Damaging"; Align-GVGD: "Class C0"). ClinVar contains an entry for this variant (Variation ID: 886043). This variant has not been reported in the literature in individuals affected with MMP2-related conditions. This variant is present in population databases (rs778881275, gnomAD 0.02%). This sequence change replaces phenylalanine, which is neutral and non-polar, with tyrosine, which is neutral and polar, at codon 297 of the MMP2 protein (p.Phe297Tyr).

Illumina Laboratory Services, Illumina
Classification: Uncertain significance for Multicentric osteolysis, nodulosis, and arthropathy. Last evaluated: 2018-01-12. Review status: criteria provided, single submitter. Criteria: ICSL Variant Classification Criteria 13 December 2019. Collection method: clinical testing. Allele origin: germline.